The following is an entry in ClinVar:

NM_001080442.3(SLC38A8):c.697G>A (p.Glu233Lys)

Gene: SLC38A8 (solute carrier family 38 member 8; minus strand). Cytogenetic location: 16q23.3.
Variant type: single nucleotide variant.
Coding change: c.697G>A on transcript NM_001080442.3 (MANE Select); coding-DNA position 697, G replaced by A.
Protein change: p.Glu233Lys; replaces glutamic acid 233 with lysine.
Molecular consequence: missense variant.
Genome position (GRCh38, 1-based): chr16:84,022,883, C>T on the plus strand (G>A on the coding strand, the complement: SLC38A8 is on the minus strand). VCF-style: chr16-84022883-C-T. GRCh37 (hg19) VCF-style: chr16-84056488-C-T.
Other names: c.697G>A (NM_001080442.2); short protein forms E233K.
Identifiers: ClinVar variation 125446 (VCV000125446.12), dbSNP rs372929441, ClinGen allele CA150838.

ClinVar aggregate classification (germline): Pathogenic/Likely pathogenic. Review status: criteria provided, multiple submitters, no conflicts (2 of 4 stars). 9 submissions from 9 submitters: Pathogenic (6); Likely pathogenic (2). 1 of the submissions does not count toward it. Last evaluated 2026-03-09.

Conditions:
SLC38A8-related disorder. Also called: SLC38A8-related condition.
Foveal hypoplasia - optic nerve decussation defect - anterior segment dysgenesis syndrome. Also called: FOVEAL HYPOPLASIA 2 WITH OR WITHOUT OPTIC NERVE MISROUTING AND/OR ANTERIOR SEGMENT DYSGENESIS; FOVEAL HYPOPLASIA 2 WITH OR WITHOUT MICROPHTHALMIA OR COLOBOMA; Foveal hypoplasia 2; FOVEAL HYPOPLASIA 2 WITH OPTIC NERVE DECUSSATION DEFECTS AND ANTERIOR SEGMENT DYSGENESIS WITHOUT ALBINISM. Identifiers: Orphanet 397618, MedGen C3807873, MONDO:0012216, OMIM 609218.

Allele frequency attached by ClinVar (database versions not stated): TOPMed 0.00004; gnomAD 0.00006.
gnomAD v4.1: 49 of 1,602,028 alleles (0.0031%); highest among the groups gnomAD compares: East Asian, 0.011%; no homozygotes.

Submissions (9):

Kasturba Medical College, Manipal, Kasturba Medical College, Manipal, Manipal Academy of Higher Education, Manipal, India
Classification: Likely pathogenic for Foveal hypoplasia - optic nerve decussation defect - anterior segment dysgenesis syndrome. Last evaluated: 2026-03-09. Review status: criteria provided, single submitter. Criteria: ACMG Guidelines, 2015. Collection method: research. Allele origin: biparental. Inheritance: Autosomal recessive inheritance. Affected: yes. Observed: 1 variant allele, 1 homozygote.
Comment: The variant is present in 49 individuals in heterozygous state (allele frequency: 0.00003059) and absent in homozygous state in gnomAD (v4.1.0) population database. This variant is present in two individuals in heterozygous state and is absent in homozygous state in our in-house database of 4037 exomes. In-silico prediction tools (CADD_Phred and REVEL) are consistent in predicting the variant as damaging to SLC38A8 protein function.

Labcorp Genetics (formerly Invitae), Labcorp
Classification: Pathogenic. Last evaluated: 2025-09-29. Review status: criteria provided, single submitter. Criteria: Invitae Variant Classification Sherloc (09022015). Collection method: clinical testing. Allele origin: germline.
Comment: This sequence change replaces glutamic acid, which is acidic and polar, with lysine, which is basic and polar, at codon 233 of the SLC38A8 protein (p.Glu233Lys). This variant is present in population databases (rs372929441, gnomAD 0.03%). This missense change has been observed in individual(s) with foveal hypoplasia (PMID: 24290379, 33594928, 33781268). In at least one individual the data is consistent with being in trans (on the opposite chromosome) from a pathogenic variant. It has also been observed to segregate with disease in related individuals. ClinVar contains an entry for this variant (Variation ID: 125446). Invitae Evidence Modeling of protein sequence and biophysical properties (such as structural, functional, and spatial information, amino acid conservation, physicochemical variation, residue mobility, and thermodynamic stability) indicates that this missense variant is expected to disrupt SLC38A8 protein function with a positive predictive value of 80%. For these reasons, this variant has been classified as Pathogenic.

Fulgent Genetics
Classification: Pathogenic for Foveal hypoplasia - optic nerve decussation defect - anterior segment dysgenesis syndrome. Last evaluated: 2024-06-13. Review status: criteria provided, single submitter. Criteria: ACMG Guidelines, 2015. Collection method: clinical testing. Allele origin: germline.

Women's Health and Genetics/Laboratory Corporation of America, LabCorp
Classification: Pathogenic for Foveal hypoplasia - optic nerve decussation defect - anterior segment dysgenesis syndrome. Last evaluated: 2024-06-11. Review status: criteria provided, single submitter. Criteria: LabCorp Variant Classification Summary - May 2015. Collection method: clinical testing. Allele origin: germline.
Comment: Variant summary: SLC38A8 c.697G>A (p.Glu233Lys) results in a conservative amino acid change located in the amino acid transporter, transmembrane domain (IPR013057) of the encoded protein sequence. Three of five in-silico tools predict a benign effect of the variant on protein function. The variant allele was found at a frequency of 7.7e-05 in 234948 control chromosomes. This frequency is not significantly higher than estimated for a pathogenic variant in SLC38A8 causing foveal hypoplasia, allowing no conclusion about variant significance. c.697G>A has been reported in the literature in the homozygous and compound heterozygous state in multiple individuals affected with foveal hypoplasia (e.g. Poulter_2013, Bai_2021, Jiang_2021). These data indicate that the variant is very likely to be associated with disease. The following publications have been ascertained in the context of this evaluation (PMID: 33781268, 34415986, 24290379). ClinVar contains an entry for this variant (Variation ID: 125446). Based on the evidence outlined above, the variant was classified as pathogenic.

GeneDx
Classification: Pathogenic. Last evaluated: 2024-03-08. Review status: criteria provided, single submitter. Criteria: GeneDx Variant Classification Process June 2021. Collection method: clinical testing. Allele origin: germline. Affected: yes.
Comment: In silico analysis supports that this missense variant does not alter protein structure/function; This variant is associated with the following publications: (PMID: 19590516, 28546991, 31964843, 24290379, 36748941, 35029636, Ren2023[casereport], 33594928, 34415986, 33781268, 29345414)

Blueprint Genetics
Classification: Pathogenic for SLC38A8-related disorders. Last evaluated: 2023-10-19. Review status: criteria provided, single submitter. Criteria: ACMG Guidelines, 2015. Collection method: clinical testing. Allele origin: germline. Affected: yes. Observed: 5 variant alleles.

Department of Pathology and Laboratory Medicine, Sinai Health System
Classification: Likely pathogenic for Foveal hypoplasia - optic nerve decussation defect - anterior segment dysgenesis syndrome. Last evaluated: 2023-01-04. Review status: criteria provided, single submitter. Criteria: ACMG Guidelines, 2015. Collection method: research. Allele origin: germline.

Juno Genomics, Hangzhou Juno Genomics, Inc
Classification: Pathogenic for Foveal hypoplasia - optic nerve decussation defect - anterior segment dysgenesis syndrome. Review status: criteria provided, single submitter. Criteria: ACMG Guidelines, 2015. Collection method: clinical testing. Allele origin: germline.
Comment: Absent from controls (or at extremely low frequency if recessive) in Genome Aggregation Database.;Multiple lines of computational evidence support a deleterious effect on the gene or gene product.;For recessive disorders, detected in trans with a pathogenic variant.;Co-segregation with disease in multiple affected family members.

OMIM
Classification: Pathogenic for FOVEAL HYPOPLASIA 2 WITH OR WITHOUT MICROPHTHALMIA OR COLOBOMA. Last evaluated: 2013-12-05. Review status: no assertion criteria provided. Collection method: literature only. Allele origin: germline. Not counted in ClinVar's aggregate classification.

Literature cited by the submitters: PubMed 24290379 (cited by 4 submitters); PubMed 34415986 (cited by Kasturba Medical College, Manipal, Kasturba Medical College, Manipal, Manipal Academy of Higher Education, Manipal, India and Women's Health and Genetics/Laboratory Corporation of America, LabCorp); PubMed 33594928 (cited by Labcorp Genetics (formerly Invitae), Labcorp); PubMed 33781268 (cited by Labcorp Genetics (formerly Invitae), Labcorp and Women's Health and Genetics/Laboratory Corporation of America, LabCorp); PubMed 19590516 (cited by OMIM).